The following is an entry in ClinVar:

NC_000002.11:g.(?_211502406)_(211503959_?)dup

Gene: CPS1 (carbamoyl-phosphate synthase 1; plus strand). Cytogenetic location: 2q34.
Variant type: Duplication.
Identifiers: ClinVar variation 3247431 (VCV003247431.1).

ClinVar aggregate classification (germline): Likely pathogenic (1 of 4 stars; one submission).

Conditions:
Congenital hyperammonemia, type I. Also called: Carbamoyl phosphate synthetase 1 deficiency; Hyperammonemia due to carbamoyl phosphate synthetase 1 deficiency; CPS 1 deficiency; Carbamyl phosphate synthetase (CPS) deficiency; CPS I DEFICIENCY; Carbamoyl phosphate synthetase I deficiency disease. Identifiers: Orphanet 147, MedGen C4082171, MONDO:0009376, OMIM 237300.

Submission:

Labcorp Genetics (formerly Invitae), Labcorp
Classification: Likely pathogenic for Congenital hyperammonemia, type I. Last evaluated: 2023-12-20. Review status: criteria provided, single submitter. Criteria: Invitae Variant Classification Sherloc (09022015). Collection method: clinical testing. Allele origin: unknown.
Comment: This variant results in a copy number gain of the genomic region encompassing exon(s) 22-23 of the CPS1 gene. While the exact position of this variant cannot be determined from the data, sub-genic copy number gains are generally in tandem (PMID: 25640679). This variant is predicted to be out-of-frame, and may result in an absent or disrupted protein product. Loss-of-function variants in CPS1 are known to be pathogenic (PMID: 21120950). This variant has not been reported in the literature in individuals affected with CPS1-related conditions. In summary, the currently available evidence indicates that the variant is pathogenic, but additional data are needed to prove that conclusively. Therefore, this variant has been classified as Likely Pathogenic.

Literature cited by the submitters: PubMed 25640679; PubMed 21120950.